The following is an entry in ClinVar:

NM_016151.4(TAOK2):c.2359A>G (p.Arg787Gly)

Gene: TAOK2 (TAO kinase 2; plus strand). Cytogenetic location: 16p11.2.
Variant type: single nucleotide variant.
Coding change: c.2359A>G on transcript NM_016151.4 (MANE Select); coding-DNA position 2359, A replaced by G.
Protein change: p.Arg787Gly; replaces arginine 787 with glycine.
Molecular consequence: missense variant. On other transcripts: intron variant (2).
Genome position (GRCh38, 1-based): chr16:29,986,631, A>G. VCF-style: chr16-29986631-A-G. GRCh37 (hg19) VCF-style: chr16-29997952-A-G.
Other names: c.2232+127A>G (NM_004783.4, NM_001252043.2); short protein forms R787G.
Identifiers: ClinVar variation 1424984 (VCV001424984.6), dbSNP rs2150903705, ClinGen allele CA395490976.
Genomic context (GRCh38, chr16:29,986,631, plus strand): 5'-ACAGGCACCCCTATAGAACAGCAGCCCTGCTCACCTGGCCAGGAGGCAGTCCTGGACCAA[A>G]GAATGCTTGGCGAGGAGGAGGAAGCAGTTGGAGAGAGAAGGATTCTGGGAAAGGAAGGGG-3'
Protein context (NP_057235.2, residues 777-797): SPGQEAVLDQ[Arg787Gly]MLGEEEEAVG

ClinVar aggregate classification (germline): Uncertain significance (1 of 4 stars; one submission).

gnomAD v4.1: 1 of 1,611,882 alleles (0.000062%); highest among the groups gnomAD compares: Non-Finnish European, 0.000085%; no homozygotes.

Submission:

Labcorp Genetics (formerly Invitae), Labcorp
Classification: Uncertain significance. Last evaluated: 2022-04-25. Review status: criteria provided, single submitter. Criteria: Invitae Variant Classification Sherloc (09022015). Collection method: clinical testing. Allele origin: germline.
Comment: In summary, the available evidence is currently insufficient to determine the role of this variant in disease. Therefore, it has been classified as a Variant of Uncertain Significance. Algorithms developed to predict the effect of missense changes on protein structure and function (SIFT, PolyPhen-2, Align-GVGD) all suggest that this variant is likely to be tolerated. This variant has not been reported in the literature in individuals affected with TAOK2-related conditions. This sequence change replaces arginine, which is basic and polar, with glycine, which is neutral and non-polar, at codon 787 of the TAOK2 protein (p.Arg787Gly). This variant is not present in population databases (gnomAD no frequency).